The following is an entry in ClinVar:

NC_000003.11:g.(?_4558176)_(4558287_?)del

Gene: ITPR1 (inositol 1,4,5-trisphosphate receptor type 1; plus strand). Cytogenetic location: 3p26.1.
Variant type: Deletion.
Identifiers: ClinVar variation 3246983 (VCV003246983.1).

ClinVar aggregate classification (germline): Pathogenic (1 of 4 stars; one submission).

Submission:

Labcorp Genetics (formerly Invitae), Labcorp
Classification: Pathogenic. Last evaluated: 2024-01-26. Review status: criteria provided, single submitter. Criteria: Invitae Variant Classification Sherloc (09022015). Collection method: clinical testing. Allele origin: unknown.
Comment: This variant is a gross deletion of the genomic region encompassing exon(s) 3 of the ITPR1 gene, which includes the initiator codon. This deletion extends beyond the assayed region for this gene and therefore may encompass additional genes. It is expected to result in an absent or disrupted protein product. Loss-of-function variants in ITPR1 are known to be pathogenic (PMID: 27108797). This variant has not been reported in the literature in individuals affected with ITPR1-related conditions. For these reasons, this variant has been classified as Pathogenic.

Literature cited by the submitters: PubMed 27108797.